The following is an entry in ClinVar:

NM_001384732.1(CPLANE1):c.6907del (p.Trp2303fs)

Gene: CPLANE1 (ciliogenesis and planar polarity effector complex subunit 1; minus strand). Cytogenetic location: 5p13.2.
Variant type: Deletion.
Coding change: c.6907del on transcript NM_001384732.1 (MANE Select); coding-DNA position 6907, one base deleted (T; older notation c.6907delT).
Protein change: p.Trp2303fs; shifts the reading frame from tryptophan 2303.
Molecular consequence: frameshift variant.
Genome position (GRCh38, 1-based): chr5:37,169,117, A deleted on the plus strand (T on the coding strand, the reverse complement: CPLANE1 is on the minus strand). VCF-style (leftmost placement, unchanged base first): chr5-37169116-CA-C. GRCh37 (hg19) VCF-style: chr5-37169218-CA-C.
Other names: c.6907del, p.Trp2303fs (NM_023073.4); short protein forms W2303fs.
Identifiers: ClinVar variation 4775033 (VCV004775033.1).

ClinVar aggregate classification (germline): Pathogenic (1 of 4 stars; one submission).

Submission:

Labcorp Genetics (formerly Invitae), Labcorp
Classification: Pathogenic. Last evaluated: 2026-01-28. Review status: criteria provided, single submitter. Criteria: Invitae Variant Classification Sherloc (09022015). Collection method: clinical testing. Allele origin: germline.
Comment: This sequence change creates a premature translational stop signal (p.Trp2303Glyfs*5) in the CPLANE1 gene. It is expected to result in an absent or disrupted protein product. Loss-of-function variants in CPLANE1 are known to be pathogenic (PMID: 24178751, 26092869). This variant is not present in population databases (gnomAD no frequency). This variant has not been reported in the literature in individuals affected with CPLANE1-related conditions. For these reasons, this variant has been classified as Pathogenic.

Literature cited by the submitters: PubMed 24178751; PubMed 26092869.